The following is an entry in ClinVar:

NC_000008.10:g.(?_100403765)_(100403952_?)del

Gene: VPS13B (vacuolar protein sorting 13 homolog B; plus strand). Cytogenetic location: 8q22.2.
Variant type: Deletion.
Identifiers: ClinVar variation 1459877 (VCV001459877.5).

ClinVar aggregate classification (germline): Pathogenic (1 of 4 stars; one submission).

Conditions:
Cohen syndrome (COH1). Also called: PEPPER SYNDROME; Cutis verticis gyrata, retinitis pigmentosa, and sensorineural deafness. Identifiers: Orphanet 193, MedGen C0265223, MONDO:0008999, OMIM 216550.

Submission:

Labcorp Genetics (formerly Invitae), Labcorp
Classification: Pathogenic for Cohen syndrome. Last evaluated: 2023-11-13. Review status: criteria provided, single submitter. Criteria: Invitae Variant Classification Sherloc (09022015). Collection method: clinical testing. Allele origin: germline.
Comment: This variant is a gross deletion of the genomic region encompassing exon(s) 21 of the VPS13B gene. This deletion is out-of-frame, and is expected to create a premature termination codon and result in an absent or disrupted protein product. Loss-of-function variants in VPS13B are known to be pathogenic (PMID: 15141358, 16648375, 20461111). This variant has not been reported in the literature in individuals affected with VPS13B-related conditions. For these reasons, this variant has been classified as Pathogenic.

Literature cited by the submitters: PubMed 15141358; PubMed 16648375; PubMed 20461111.